The following is an entry in ClinVar:

ClinVar aggregate classification (germline): Uncertain significance. Review status: criteria provided, multiple submitters, no conflicts (2 of 4 stars). 2 submissions from 2 submitters: Uncertain significance (2). Last evaluated 2025-09-15.

Conditions:
Inborn genetic diseases. Identifiers: MedGen C0950123, MeSH D030342.
Glycogen storage disease IXb (GSD9B). Also called: GLYCOGENOSIS OF LIVER AND MUSCLE, AUTOSOMAL RECESSIVE; GSD IXb; PHOSPHORYLASE KINASE DEFICIENCY OF LIVER AND MUSCLE, AUTOSOMAL RECESSIVE. Identifiers: Orphanet 79240, MedGen C0543514, MONDO:0009868, OMIM 261750.

Allele frequency attached by ClinVar (database versions not stated): ExAC 0.00001; gnomAD exomes 0.00002; 1000 Genomes Project 0.00020; 1000 Genomes Project 30x 0.00031.
gnomAD v4.1: 30 of 1,606,352 alleles (0.0019%); highest among the groups gnomAD compares: Middle Eastern, 0.017%; no homozygotes.

Submissions (2):

Labcorp Genetics (formerly Invitae), Labcorp
Classification: Uncertain significance for Glycogen storage disease IXb. Last evaluated: 2025-09-15. Review status: criteria provided, single submitter. Criteria: Invitae Variant Classification Sherloc (09022015). Collection method: clinical testing. Allele origin: germline.
Comment: This sequence change replaces arginine, which is basic and polar, with tryptophan, which is neutral and slightly polar, at codon 622 of the PHKB protein (p.Arg622Trp). This variant is present in population databases (rs543402649, gnomAD 0.004%). This variant has not been reported in the literature in individuals affected with PHKB-related conditions. ClinVar contains an entry for this variant (Variation ID: 2041820). An algorithm developed to predict the effect of missense changes on protein structure and function (PolyPhen-2) suggests that this variant is likely to be disruptive. In summary, the available evidence is currently insufficient to determine the role of this variant in disease. Therefore, it has been classified as a Variant of Uncertain Significance.

Ambry Genetics
Classification: Uncertain significance for Inborn genetic diseases. Last evaluated: 2025-04-15. Review status: criteria provided, single submitter. Criteria: Ambry Variant Classification Scheme 2023. Collection method: clinical testing. Allele origin: germline.

NM_000293.3(PHKB):c.1864C>T (p.Arg622Trp)

Gene: PHKB (phosphorylase kinase regulatory subunit beta; plus strand). Cytogenetic location: 16q12.1.
Variant type: single nucleotide variant.
Coding change: c.1864C>T on transcript NM_000293.3 (MANE Select); coding-DNA position 1864, C replaced by T.
Protein change: p.Arg622Trp; replaces arginine 622 with tryptophan.
Molecular consequence: missense variant.
Genome position (GRCh38, 1-based): chr16:47,650,610, C>T. VCF-style: chr16-47650610-C-T. GRCh37 (hg19) VCF-style: chr16-47684521-C-T.
Other names: c.1843C>T, p.Arg615Trp (NM_001031835.3); c.1864C>T, p.Arg622Trp (NM_001363837.1); short protein forms R615W, R622W.
Identifiers: ClinVar variation 2041820 (VCV002041820.4), dbSNP rs543402649, ClinGen allele CA8040995.